The following is an entry in ClinVar:

NM_000166.6(GJB1):c.345dup (p.His116fs)

Gene: GJB1 (gap junction protein beta 1; plus strand). Cytogenetic location: Xq13.1.
Variant type: Duplication.
Coding change: c.345dup on transcript NM_000166.6 (MANE Select); coding-DNA position 345, one base duplicated (A; older notation c.345dupA).
Protein change: p.His116fs; shifts the reading frame from histidine 116.
Molecular consequence: frameshift variant.
Genome position (GRCh38, 1-based): chrX:71,224,052, A duplicated. VCF-style (leftmost placement, unchanged base first): chrX-71224051-T-TA. GRCh37 (hg19) VCF-style: chrX-70443901-T-TA.
Other names: c.345dup, p.His116fs (NM_001097642.3); short protein forms H116fs.
Identifiers: ClinVar variation 2847429 (VCV002847429.3), dbSNP rs2519798339, ClinGen allele CA2739273576.

ClinVar aggregate classification (germline): Pathogenic (1 of 4 stars; one submission).

Conditions:
Charcot-Marie-Tooth Neuropathy X. Identifiers: MedGen CN118851.

Submission:

Labcorp Genetics (formerly Invitae), Labcorp
Classification: Pathogenic for Charcot-Marie-Tooth Neuropathy X. Last evaluated: 2023-03-19. Review status: criteria provided, single submitter. Criteria: Invitae Variant Classification Sherloc (09022015). Collection method: clinical testing. Allele origin: germline.
Comment: This sequence change creates a premature translational stop signal (p.His116Thrfs*31) in the GJB1 gene. While this is not anticipated to result in nonsense mediated decay, it is expected to disrupt the last 168 amino acid(s) of the GJB1 protein. This variant is not present in population databases (gnomAD no frequency). This variant has not been reported in the literature in individuals affected with GJB1-related conditions. This variant disrupts a region of the GJB1 protein in which other variant(s) (p.Arg220*) have been determined to be pathogenic (PMID: 7477983, 8162049, 9364054, 9592087, 21291455). This suggests that this is a clinically significant region of the protein, and that variants that disrupt it are likely to be disease-causing. For these reasons, this variant has been classified as Pathogenic.

Literature cited by the submitters: PubMed 7477983; PubMed 8162049; PubMed 9364054; PubMed 9592087; PubMed 21291455.